The following is an entry in ClinVar:

ClinVar aggregate classification (germline): Likely benign. Review status: criteria provided, multiple submitters, no conflicts (2 of 4 stars). 3 submissions from 3 submitters: Likely benign (3). Last evaluated 2024-09-24.

Conditions:
Inborn genetic diseases. Identifiers: MedGen C0950123, MeSH D030342.
Developmental and epileptic encephalopathy, 9 (DEE9). Also called: Early infantile epileptic encephalopathy 9; EPILEPSY, FEMALE-RESTRICTED, WITH MENTAL RETARDATION; JUBERG-HELLMAN SYNDROME; PCDH19-Related X-Linked Female-Limited Epilepsy with Mental Retardation. Identifiers: Orphanet 101039, Orphanet 2076, MedGen C1848137, MONDO:0010246, OMIM 300088. Disease mechanism: loss of function.

Allele frequency attached by ClinVar (database versions not stated): TOPMed 0.00001.
gnomAD v4.1: 72 of 1,208,982 alleles (0.006%); highest among the groups gnomAD compares: Non-Finnish European, 0.0077%; no homozygotes.

Submissions (3):

Labcorp Genetics (formerly Invitae), Labcorp
Classification: Likely benign for Developmental and epileptic encephalopathy, 9. Last evaluated: 2024-09-24. Review status: criteria provided, single submitter. Criteria: Invitae Variant Classification Sherloc (09022015). Collection method: clinical testing. Allele origin: germline.

Ambry Genetics
Classification: Likely benign for Inborn genetic diseases. Last evaluated: 2018-07-10. Review status: criteria provided, single submitter. Criteria: Ambry Variant Classification Scheme 2023. Collection method: clinical testing. Allele origin: germline.

GeneDx
Classification: Likely benign. Last evaluated: 2017-01-16. Review status: criteria provided, single submitter. Criteria: GeneDx Variant Classification (06012015). Collection method: clinical testing. Allele origin: germline. Affected: yes.
Comment: This variant is considered likely benign or benign based on one or more of the following criteria: it is a conservative change, it occurs at a poorly conserved position in the protein, it is predicted to be benign by multiple in silico algorithms, and/or has population frequency not consistent with disease.

NM_001184880.2(PCDH19):c.3204C>T (p.Pro1068=)

Gene: PCDH19 (protocadherin 19; minus strand). Cytogenetic location: Xq22.1.
Variant type: single nucleotide variant.
Coding change: c.3204C>T on transcript NM_001184880.2 (MANE Select); coding-DNA position 3204, C replaced by T.
Protein change: p.Pro1068=; no amino-acid change (proline 1068 retained).
Molecular consequence: synonymous variant.
Genome position (GRCh38, 1-based): chrX:100,296,520, G>A on the plus strand (C>T on the coding strand, the complement: PCDH19 is on the minus strand). VCF-style: chrX-100296520-G-A. GRCh37 (hg19) VCF-style: chrX-99551518-G-A.
Other names: c.3063C>T, p.Pro1021= (NM_001105243.2); c.3060C>T, p.Pro1020= (NM_020766.3).
Identifiers: ClinVar variation 393107 (VCV000393107.11), dbSNP rs377415279, ClinGen allele CA10468659.
Genomic context (GRCh38, chrX:100,296,520, plus strand): 5'-AGCCAGGGCAATGGTGTAAGACACGGAAGGCTTGGTGGGCAGAGAGCTCTTGAGGTGGAG[G>A]GGGGAGGTGACAGGGCTAATCGCCTCACAGCCATTGCCTGCCTCCCGGATAACGCTGTTG-3'
Protein context (NP_001171809.1, residues 1058-1078): GCEAISPVTS[Pro1068=]LHLKSSLPTK